The following is an entry in ClinVar:

NM_003742.4(ABCB11):c.55G>C (p.Gly19Arg)

Gene: ABCB11 (ATP binding cassette subfamily B member 11; minus strand). Cytogenetic location: 2q31.1.
Variant type: single nucleotide variant.
Coding change: c.55G>C on transcript NM_003742.4 (MANE Select); coding-DNA position 55, G replaced by C.
Protein change: p.Gly19Arg; replaces glycine 19 with arginine.
Molecular consequence: missense variant.
Genome position (GRCh38, 1-based): chr2:169,018,071, C>G on the plus strand (G>C on the coding strand, the complement: ABCB11 is on the minus strand). VCF-style: chr2-169018071-C-G. GRCh37 (hg19) VCF-style: chr2-169874581-C-G.
Other names: NM_003742.4:c.55G>C; short protein forms G19R.
Identifiers: ClinVar variation 3776889 (VCV003776889.2).
Genomic context (GRCh38, chr2:169,018,071, plus strand): 5'-TCCTTGTACAAGATGCAGTGAGGGAAAAAAGCCACTCACATGATTTATCTGACTCAAAAC[C>G]ATCATTCTCCTCTCCAAATTTCTTTATACTTCGAAGAATTACTGAGTCAGACATGGTAAT-3'
Protein context (NP_003733.2, residues 9-29): SIKKFGEEND[Gly19Arg]FESDKSYNND

ClinVar aggregate classification (germline): Uncertain significance. Review status: criteria provided, multiple submitters, no conflicts (2 of 4 stars). 2 submissions from 2 submitters: Uncertain significance (2). Last evaluated 2026-04-14.

Conditions:
Familial intrahepatic cholestasis. Identifiers: Orphanet 284385, MedGen CN296401, MONDO:0017290.
Progressive familial intrahepatic cholestasis type 2. Identifiers: Orphanet 79304, MedGen C3489789, MONDO:0011156, OMIM 601847.

gnomAD v4.1: 2 of 1,613,402 alleles (0.00012%); highest among the groups gnomAD compares: Non-Finnish European, 0.00017%; no homozygotes.

Submissions (2):

Genomenon, Inc
Classification: Uncertain significance for Familial intrahepatic cholestasis. Last evaluated: 2026-04-14. Review status: criteria provided, single submitter. Criteria: Genomenon Sequence Variant Interpretation Standards - Updated. Collection method: curation. Allele origin: germline. Affected: yes.
Comment: ABCB11 p.Gly19Arg (c.55G>C) is a missense variant that changes the amino acid at residue 19 from Glycine to Arginine. This variant has been observed in at least one proband with an ABCB11-related disorder (PMID:20414253). The variant was found to segregate with disease in at least one affected family (PMID:20414253). It has been observed in trans with a pathogenic or likely pathogenic variant (PMID:20414253). It is absent or not present at a significant frequency in gnomAD. In conclusion, we classify ABCB11 p.Gly19Arg (c.55G>C) as a variant of uncertain significance.

Broad Center for Mendelian Genomics, Broad Institute of MIT and Harvard
Classification: Uncertain significance for Progressive familial intrahepatic cholestasis type 2. Last evaluated: 2025-02-04. Review status: criteria provided, single submitter. Criteria: ACMG Guidelines, 2015. Collection method: curation. Allele origin: germline. Inheritance: Autosomal recessive inheritance.
Comment: The p.Gly19Arg variant in ABCB11 has been reported in two related individuals with BSEP deficiency (PMID: 20414253), and has been identified in 0.0002% (2/1179596) of European (non-Finnish) chromosomes by the Genome Aggregation Database (gnomAD; dbSNP rs1382897404). Although this variant has been seen in the general population in a heterozygous state, its frequency is low enough to be consistent with a recessive carrier frequency. Computational prediction tools and conservation analyses do not provide strong support for or against an impact to the protein. In summary, the clinical significance of the p.Gly19Arg variant is uncertain. ACMG/AMP Criteria applied: PM2_supporting (Richards 2015).

Literature cited by the submitters: PubMed 20414253 (cited by Genomenon, Inc).